The following is an entry in ClinVar:

NM_000257.4(MYH7):c.4772T>C (p.Leu1591Pro)

Genes: MHRT (myosin heavy chain associated RNA transcript; plus strand), MYH7 (myosin heavy chain 7; minus strand), LOC126861897 (BRD4-independent group 4 enhancer GRCh37_chr14:23884455-23885654; plus strand). Cytogenetic location: 14q11.2.
Variant type: single nucleotide variant.
Coding change: c.4772T>C on transcript NM_000257.4 (MANE Select); coding-DNA position 4772, T replaced by C.
Protein change: p.Leu1591Pro; replaces leucine 1591 with proline.
Molecular consequence: missense variant. On other transcripts: non-coding transcript variant (1).
Genome position (GRCh38, 1-based): chr14:23,416,185, A>G on the plus strand (T>C on the coding strand, the complement: MYH7 is on the minus strand). VCF-style: chr14-23416185-A-G. GRCh37 (hg19) VCF-style: chr14-23885394-A-G.
Other names: c.4772T>C, p.Leu1591Pro (LRG_384t1); short protein forms L1591P.
Identifiers: ClinVar variation 190406 (VCV000190406.4), dbSNP rs730880808, ClinGen allele CA347262.

ClinVar aggregate classification (germline): Conflicting classifications of pathogenicity. Review status: criteria provided, conflicting classifications (1 of 4 stars). 2 submissions from 2 submitters: Likely pathogenic (1); Uncertain significance (1). Last evaluated 2023-10-11.

Submissions (2):

Revvity Omics, Revvity
Classification: Uncertain significance. Last evaluated: 2023-10-11. Review status: criteria provided, single submitter. Criteria: ACMG Guidelines, 2015. Collection method: clinical testing. Allele origin: germline.

GeneDx
Classification: Likely pathogenic. Last evaluated: 2017-03-23. Review status: criteria provided, single submitter. Criteria: GeneDx Variant Classification (06012015). Collection method: clinical testing. Allele origin: germline. Affected: yes.
Comment: The L1591P variant in the MYH7 gene has been reported previously in a family with Laing distal myopathy (Tasca et al., 2012). The L1591P variant is not observed in large population cohorts (Lek et al., 2016; 1000 Genomes Consortium et al., 2015; Exome Variant Server). The L1591P variant is a semi-conservative amino acid substitution, which may impact secondary protein structure as these residues differ in some properties. This substitution occurs at a position that is conserved in mammals, and in silico analysis predicts this variant is probably damaging to the protein structure/function. The L1591P variant is a strong candidate for a pathogenic variant.